The following is an entry in ClinVar:

ClinVar aggregate classification (germline): Pathogenic (1 of 4 stars; one submission).

Conditions:
Cardiovascular phenotype. Identifiers: MedGen CN230736.
Hereditary cancer-predisposing syndrome. Also called: Neoplastic Syndromes, Hereditary; Tumor predisposition; Hereditary Cancer Syndrome; Hereditary neoplastic syndrome. Identifiers: Orphanet 140162, MedGen C0027672, MeSH D009386, MONDO:0015356.

Submission:

Ambry Genetics
Classification: Pathogenic for Cardiovascular phenotype; Hereditary cancer-predisposing syndrome. Last evaluated: 2018-02-28. Review status: criteria provided, single submitter. Criteria: Ambry Variant Classification Scheme 2023. Collection method: clinical testing. Allele origin: germline.
Comment: The c.1630delG pathogenic mutation, located in coding exon 14 of the NF1 gene, results from a deletion of one nucleotide at nucleotide position 1630, causing a translational frameshift with a predicted alternate stop codon (p.E544Kfs*12). This alteration is expected to result in loss of function by premature protein truncation or nonsense-mediated mRNA decay. As such, this alteration is interpreted as a disease-causing mutation.

NM_001042492.3(NF1):c.1630del (p.Glu544fs)

Gene: NF1 (neurofibromin 1; plus strand). Cytogenetic location: 17q11.2.
Variant type: Deletion.
Coding change: c.1630del on transcript NM_001042492.3 (MANE Select); coding-DNA position 1630, one base deleted (G; older notation c.1630delG).
Protein change: p.Glu544fs; shifts the reading frame from glutamic acid 544.
Molecular consequence: frameshift variant.
Genome position (GRCh38, 1-based): chr17:31,219,107, G deleted; the last of 2 consecutive G bases (chr17:31,219,106-31,219,107); deleting either gives the same sequence. VCF-style (leftmost placement, unchanged base first): chr17-31219105-AG-A. GRCh37 (hg19) VCF-style: chr17-29546123-AG-A.
Other names: c.1630delG (NM_000267.3); c.1630delG, p.Glu544Lysfs (NM_000267.4); c.1630del, p.Glu544fs (NM_001128147.3); short protein forms E544fs.
Identifiers: ClinVar variation 1776823 (VCV001776823.2), dbSNP rs2544840957, ClinGen allele CA2580092898.